The following is an entry in ClinVar:

ClinVar aggregate classification (germline): Pathogenic. Review status: criteria provided, multiple submitters, no conflicts (2 of 4 stars). 2 submissions from 2 submitters: Pathogenic (2). Last evaluated 2025-04-18.

Conditions:
Hereditary cancer-predisposing syndrome. Also called: Hereditary Cancer Syndrome; Hereditary neoplastic syndrome; Tumor predisposition; Neoplastic Syndromes, Hereditary. Identifiers: Orphanet 140162, MedGen C0027672, MeSH D009386, MONDO:0015356.
Gorlin syndrome. Also called: Basal cell nevus syndrome; Nevoid Basal Cell Carcinoma Syndrome. Identifiers: Orphanet 377, MedGen C0004779, MONDO:0007187.
Medulloblastoma (MDB). Also called: Medulloblastoma, somatic; MEDULLOBLASTOMA PREDISPOSITION SYNDROME. Identifiers: Orphanet 616, MedGen C0025149, MeSH D008527, MONDO:0007959, OMIM 155255, HP:0002885.

Submissions (2):

Labcorp Genetics (formerly Invitae), Labcorp
Classification: Pathogenic for Gorlin syndrome; Medulloblastoma. Last evaluated: 2025-04-18. Review status: criteria provided, single submitter. Criteria: Invitae Variant Classification Sherloc (09022015). Collection method: clinical testing. Allele origin: germline.
Comment: This sequence change creates a premature translational stop signal (p.Thr196Ilefs*40) in the SUFU gene. It is expected to result in an absent or disrupted protein product. Loss-of-function variants in SUFU are known to be pathogenic (PMID: 22508808, 25403219, 33024317). This variant is not present in population databases (gnomAD no frequency). This variant has not been reported in the literature in individuals affected with SUFU-related conditions. ClinVar contains an entry for this variant (Variation ID: 453967). For these reasons, this variant has been classified as Pathogenic.

Ambry Genetics
Classification: Pathogenic for Hereditary cancer-predisposing syndrome. Last evaluated: 2016-11-30. Review status: criteria provided, single submitter. Criteria: Ambry Variant Classification Scheme 2023. Collection method: clinical testing. Allele origin: germline.
Comment: The c.585_586dupTA pathogenic mutation, located in coding exon 4 of the SUFU gene, results from a duplication of TA at nucleotide position 585, causing a translational frameshift with a predicted alternate stop codon. This alteration is expected to result in loss of function by premature protein truncation or nonsense-mediated mRNA decay. As such, this alteration is interpreted as a disease-causing mutation.

Literature cited by the submitters: PubMed 22508808 (cited by Labcorp Genetics (formerly Invitae), Labcorp); PubMed 25403219 (cited by Labcorp Genetics (formerly Invitae), Labcorp); PubMed 33024317 (cited by Labcorp Genetics (formerly Invitae), Labcorp).

NM_016169.4(SUFU):c.585_586dup (p.Thr196fs)

Gene: SUFU (SUFU negative regulator of hedgehog signaling; plus strand). Cytogenetic location: 10q24.32.
Variant type: Duplication.
Coding change: c.585_586dup on transcript NM_016169.4 (MANE Select); coding-DNA positions 585 to 586, 2 bases duplicated (TA; older notation c.585_586dupTA).
Protein change: p.Thr196fs; shifts the reading frame from threonine 196.
Molecular consequence: frameshift variant.
Genome position (GRCh38, 1-based): chr10:102,592,712-102,592,713, TA duplicated. VCF-style (leftmost placement, unchanged base first): chr10-102592711-T-TTA. GRCh37 (hg19) VCF-style: chr10-104352468-T-TTA.
Other names: c.585_586dupTA (NM_016169.3); c.585_586dup, p.Thr196fs (NM_001178133.2); short protein forms T196fs.
Identifiers: ClinVar variation 453967 (VCV000453967.9), dbSNP rs1554852279, ClinGen allele CA658658012.